The following is an entry in ClinVar:

NM_000169.3(GLA):c.4C>T (p.Gln2Ter)

Genes: GLA (galactosidase alpha; minus strand), RPL36A-HNRNPH2 (RPL36A-HNRNPH2 readthrough; plus strand). Cytogenetic location: Xq22.1.
Variant type: single nucleotide variant.
Coding change: c.4C>T on transcript NM_000169.3 (MANE Select); coding-DNA position 4, C replaced by T.
Protein change: p.Gln2Ter; replaces glutamine 2 with a stop codon.
Molecular consequence: nonsense. On other transcripts: non-coding transcript variant (3), intron variant (2).
Genome position (GRCh38, 1-based): chrX:101,407,900, G>A on the plus strand (C>T on the coding strand, the complement: GLA is on the minus strand). VCF-style: chrX-101407900-G-A. GRCh37 (hg19) VCF-style: chrX-100662888-G-A.
Other names: c.4C>T, p.Gln2Ter (NM_001406747.1, NM_001406748.1, NM_001406749.1); c.301-4036G>A (NM_001199973.2); c.178-4036G>A (NM_001199974.2); short protein forms Q2*.
Identifiers: ClinVar variation 222269 (VCV000222269.5), dbSNP rs869312313, ClinGen allele CA352509.

ClinVar aggregate classification (germline): Pathogenic. Review status: criteria provided, multiple submitters, no conflicts (2 of 4 stars). 3 submissions from 3 submitters: Pathogenic (3). Last evaluated 2026-09-08.

Conditions:
Fabry disease. Also called: GLA DEFICIENCY; HEREDITARY DYSTOPIC LIPIDOSIS; Fabry's disease; Angiokeratoma corporis diffusum; Ceramide trihexosidosis; ALPHA-GALACTOSIDASE A DEFICIENCY. Identifiers: Orphanet 324, MedGen C0002986, MONDO:0010526, OMIM 301500, HP:0001071. Disease mechanism: loss of function, Fabry disease is due to inactivating mutations in the X-linked GLA gene resulting in deficiency of the enzyme Alpha Galactosidase-A..

Submissions (3):

Genomenon, Inc
Classification: Pathogenic for Fabry disease. Last evaluated: 2026-09-08. Review status: criteria provided, single submitter. Criteria: Genomenon Sequence Variant Interpretation Standards - Updated. Collection method: curation. Allele origin: germline. Affected: yes.
Comment: GLA p.Gln2Ter (c.4C>T) is a nonsense variant that introduces a premature stop codon at amino acid position 2 and is predicted to result in a truncated or absent protein product. This variant has been observed in at least one proband with clinical features consistent with Fabry disease (PMID:33915609;24334114;23208084;31292888;31996269;33844184;29305833). The variant was found to segregate with disease in at least one affected family (PMID:23208084). It is absent or not present at a significant frequency in gnomAD. In conclusion, we classify GLA p.Gln2Ter (c.4C>T) as a pathogenic variant.

Labcorp Genetics (formerly Invitae), Labcorp
Classification: Pathogenic for Fabry disease. Last evaluated: 2025-09-10. Review status: criteria provided, single submitter. Criteria: Invitae Variant Classification Sherloc (09022015). Collection method: clinical testing. Allele origin: germline.
Comment: This sequence change creates a premature translational stop signal (p.Gln2*) in the GLA gene. It is expected to result in an absent or disrupted protein product. Loss-of-function variants in GLA are known to be pathogenic (PMID: 10666480, 12175777). This variant is not present in population databases (gnomAD no frequency). This premature translational stop signal has been observed in individual(s) with Fabry disease (PMID: 23935525). ClinVar contains an entry for this variant (Variation ID: 222269). For these reasons, this variant has been classified as Pathogenic.

Women's Health and Genetics/Laboratory Corporation of America, LabCorp
Classification: Pathogenic for Fabry disease. Last evaluated: 2021-02-23. Review status: criteria provided, single submitter. Criteria: LabCorp Variant Classification Summary - May 2015. Collection method: clinical testing. Allele origin: germline.
Comment: Variant summary: GLA c.4C>T (p.Gln2X) results in a premature termination codon, predicted to cause a truncation of the encoded protein or absence of the protein due to nonsense mediated decay, which are commonly known mechanisms for disease. Truncations downstream of this position have been classified as pathogenic by our laboratory. The variant was absent in 183327 control chromosomes. c.4C>T has been reported in the literature in individuals affected with Fabry Disease (example, Pereira_2014, Malaga_2019, Varela_2020). These data indicate that the variant may be associated with disease. At least one publication reports experimental evidence evaluating an impact on protein function. The most pronounced variant effect results in <10% of normal activity (example, Varela_2020). No clinical diagnostic laboratories have submitted clinical-significance assessments for this variant to ClinVar after 2014. Based on the evidence outlined above, the variant was classified as pathogenic.

Literature cited by the submitters: PubMed 33915609 (cited by Genomenon, Inc); PubMed 24334114 (cited by Genomenon, Inc and Women's Health and Genetics/Laboratory Corporation of America, LabCorp); PubMed 23208084 (cited by Genomenon, Inc); PubMed 31292888 (cited by Genomenon, Inc); PubMed 31996269 (cited by Genomenon, Inc and Women's Health and Genetics/Laboratory Corporation of America, LabCorp); PubMed 33844184 (cited by Genomenon, Inc); PubMed 29305833 (cited by Genomenon, Inc); PubMed 10666480 (cited by Labcorp Genetics (formerly Invitae), Labcorp); PubMed 12175777 (cited by Labcorp Genetics (formerly Invitae), Labcorp); PubMed 23935525 (cited by Labcorp Genetics (formerly Invitae), Labcorp and Women's Health and Genetics/Laboratory Corporation of America, LabCorp); PubMed 30985853 (cited by Women's Health and Genetics/Laboratory Corporation of America, LabCorp).